The following is an entry in ClinVar:

NM_057175.5(NAA15):c.803T>C (p.Leu268Pro)

Gene: NAA15 (N-alpha-acetyltransferase 15, NatA auxiliary subunit; plus strand). Cytogenetic location: 4q31.1.
Variant type: single nucleotide variant.
Coding change: c.803T>C on transcript NM_057175.5 (MANE Select); coding-DNA position 803, T replaced by C.
Protein change: p.Leu268Pro; replaces leucine 268 with proline.
Molecular consequence: missense variant.
Genome position (GRCh38, 1-based): chr4:139,349,573, T>C. VCF-style: chr4-139349573-T-C. GRCh37 (hg19) VCF-style: chr4-140270727-T-C.
Other names: c.803T>C, p.Leu268Pro (NM_001410842.1); short protein forms L268P.
Identifiers: ClinVar variation 4681851 (VCV004681851.5).

ClinVar aggregate classification (germline): Uncertain significance (1 of 4 stars; one submission).

Submission:

CeGaT Center for Human Genetics Tuebingen
Classification: Uncertain significance. Last evaluated: 2025-12-01. Review status: criteria provided, single submitter. Criteria: CeGaT Center For Human Genetics Tuebingen Variant Classification Criteria Version 2. Collection method: clinical testing. Allele origin: germline. Affected: yes. Observed: 1 variant allele.
Comment: NAA15: PM2, PS2:Supporting